The following is an entry in ClinVar:

NM_001377.3(DYNC2H1):c.7030C>T (p.Arg2344Cys)

Gene: DYNC2H1 (dynein cytoplasmic 2 heavy chain 1; plus strand). Cytogenetic location: 11q22.3.
Variant type: single nucleotide variant.
Coding change: c.7030C>T on transcript NM_001377.3 (MANE Select); coding-DNA position 7030, C replaced by T.
Protein change: p.Arg2344Cys; replaces arginine 2344 with cysteine.
Molecular consequence: missense variant.
Genome position (GRCh38, 1-based): chr11:103,187,476, C>T. VCF-style: chr11-103187476-C-T. GRCh37 (hg19) VCF-style: chr11-103058205-C-T.
Other names: c.7030C>T, p.Arg2344Cys (NM_001080463.2); short protein forms R2344C.
Identifiers: ClinVar variation 644472 (VCV000644472.7), dbSNP rs547419104, ClinGen allele CA6254131.

ClinVar aggregate classification (germline): Uncertain significance. Review status: criteria provided, multiple submitters, no conflicts (2 of 4 stars). 2 submissions from 2 submitters: Uncertain significance (2). Last evaluated 2024-06-20.

Conditions:
Jeune thoracic dystrophy. Also called: Infantile thoracic dystrophy; Thoracic pelvic phalangeal dystrophy; Jeune's syndrome; Chondroectodermal dysplasia-like syndrome; Jeune syndrome; Short-rib thoracic dysplasia. Identifiers: Orphanet 474, MedGen C0265275, MONDO:0018770.

Allele frequency attached by ClinVar (database versions not stated): gnomAD 0.00003; gnomAD exomes 0.00003 and 0.00006; ExAC 0.00005; TOPMed 0.00007; 1000 Genomes Project 30x 0.00016; 1000 Genomes Project 0.00020.
gnomAD v4.1: 55 of 1,613,236 alleles (0.0034%); highest among the groups gnomAD compares: Admixed American, 0.025%; no homozygotes.

Submissions (2):

Blueprint Genetics
Classification: Uncertain significance. Last evaluated: 2024-06-20. Review status: criteria provided, single submitter. Criteria: ACMG Guidelines, 2015. Collection method: clinical testing. Allele origin: germline.

Labcorp Genetics (formerly Invitae), Labcorp
Classification: Uncertain significance for Jeune thoracic dystrophy. Last evaluated: 2022-07-26. Review status: criteria provided, single submitter. Criteria: Invitae Variant Classification Sherloc (09022015). Collection method: clinical testing. Allele origin: germline.
Comment: This sequence change replaces arginine, which is basic and polar, with cysteine, which is neutral and slightly polar, at codon 2344 of the DYNC2H1 protein (p.Arg2344Cys). This variant is present in population databases (rs547419104, gnomAD 0.03%). This variant has not been reported in the literature in individuals affected with DYNC2H1-related conditions. ClinVar contains an entry for this variant (Variation ID: 644472). Advanced modeling of protein sequence and biophysical properties (such as structural, functional, and spatial information, amino acid conservation, physicochemical variation, residue mobility, and thermodynamic stability) performed at Invitae indicates that this missense variant is not expected to disrupt DYNC2H1 protein function. Algorithms developed to predict the effect of sequence changes on RNA splicing suggest that this variant is not likely to affect RNA splicing. In summary, the available evidence is currently insufficient to determine the role of this variant in disease. Therefore, it has been classified as a Variant of Uncertain Significance.